The following is an entry in ClinVar:

ClinVar aggregate classification (germline): Uncertain significance (1 of 4 stars; one submission).

Conditions:
Cohen syndrome (COH1). Also called: PEPPER SYNDROME; Cutis verticis gyrata, retinitis pigmentosa, and sensorineural deafness. Identifiers: Orphanet 193, MedGen C0265223, MONDO:0008999, OMIM 216550.

gnomAD v4.1: 2 of 1,614,046 alleles (0.00012%); highest among the groups gnomAD compares: Non-Finnish European, 0.00017%; no homozygotes.

Submission:

Labcorp Genetics (formerly Invitae), Labcorp
Classification: Uncertain significance for Cohen syndrome. Last evaluated: 2025-05-07. Review status: criteria provided, single submitter. Criteria: Invitae Variant Classification Sherloc (09022015). Collection method: clinical testing. Allele origin: germline.
Comment: This sequence change replaces lysine, which is basic and polar, with arginine, which is basic and polar, at codon 2198 of the VPS13B protein (p.Lys2198Arg). This variant is not present in population databases (gnomAD no frequency). This variant has not been reported in the literature in individuals affected with VPS13B-related conditions. Invitae Evidence Modeling of protein sequence and biophysical properties (such as structural, functional, and spatial information, amino acid conservation, physicochemical variation, residue mobility, and thermodynamic stability) indicates that this missense variant is not expected to disrupt VPS13B protein function with a negative predictive value of 80%. In summary, the available evidence is currently insufficient to determine the role of this variant in disease. Therefore, it has been classified as a Variant of Uncertain Significance.

NM_152564.5(VPS13B):c.6518A>G (p.Lys2173Arg)

Gene: VPS13B (vacuolar protein sorting 13 homolog B; plus strand). Cytogenetic location: 8q22.2.
Variant type: single nucleotide variant.
Coding change: c.6518A>G on transcript NM_152564.5 (MANE Select); coding-DNA position 6518, A replaced by G.
Protein change: p.Lys2173Arg; replaces lysine 2173 with arginine.
Molecular consequence: missense variant.
Genome position (GRCh38, 1-based): chr8:99,717,234, A>G. VCF-style: chr8-99717234-A-G. GRCh37 (hg19) VCF-style: chr8-100729462-A-G.
Other names: c.6593A>G, p.Lys2198Arg (NM_017890.5); short protein forms K2198R, K2173R.
Identifiers: ClinVar variation 4736856 (VCV004736856.1).